The following is an entry in ClinVar:

NM_182931.3(KMT2E):c.1439A>G (p.Asn480Ser)

Gene: KMT2E (lysine methyltransferase 2E (inactive); plus strand). Cytogenetic location: 7q22.3.
Variant type: single nucleotide variant.
Coding change: c.1439A>G on transcript NM_182931.3 (MANE Select); coding-DNA position 1439, A replaced by G.
Protein change: p.Asn480Ser; replaces asparagine 480 with serine.
Molecular consequence: missense variant.
Genome position (GRCh38, 1-based): chr7:105,090,089, A>G. VCF-style: chr7-105090089-A-G. GRCh37 (hg19) VCF-style: chr7-104730536-A-G.
Other names: c.1439A>G, p.Asn480Ser (NM_001410908.1, NM_018682.4); short protein forms N480S.
Identifiers: ClinVar variation 3667794 (VCV003667794.2).

ClinVar aggregate classification (germline): Uncertain significance (1 of 4 stars; one submission).

Submission:

Labcorp Genetics (formerly Invitae), Labcorp
Classification: Uncertain significance. Last evaluated: 2024-07-08. Review status: criteria provided, single submitter. Criteria: Invitae Variant Classification Sherloc (09022015). Collection method: clinical testing. Allele origin: germline.
Comment: This sequence change replaces asparagine, which is neutral and polar, with serine, which is neutral and polar, at codon 480 of the KMT2E protein (p.Asn480Ser). This variant is not present in population databases (gnomAD no frequency). This variant has not been reported in the literature in individuals affected with KMT2E-related conditions. Advanced modeling of protein sequence and biophysical properties (such as structural, functional, and spatial information, amino acid conservation, physicochemical variation, residue mobility, and thermodynamic stability) performed at Invitae indicates that this missense variant is not expected to disrupt KMT2E protein function with a negative predictive value of 80%. In summary, the available evidence is currently insufficient to determine the role of this variant in disease. Therefore, it has been classified as a Variant of Uncertain Significance.